The following is an entry in ClinVar:

ClinVar aggregate classification (germline): Uncertain significance. Review status: criteria provided, multiple submitters, no conflicts (2 of 4 stars). 3 submissions from 3 submitters: Uncertain significance (3). Last evaluated 2026-09-18.

Conditions:
NPHP4-related disorder. Also called: NPHP4-related disorders; NPHP4-related condition. Identifiers: MedGen CN239384.
Senior-Loken syndrome 4 (SLSN4). Identifiers: Orphanet 3156, MedGen C1846979, MONDO:0011756, OMIM 606996.
Nephronophthisis 4 (NPHP4). Also called: NEPHRONOPHTHISIS 4, JUVENILE. Identifiers: Orphanet 655, MedGen C1847013, MONDO:0011752, OMIM 606966.
Nephronophthisis. Also called: Juvenile Nephronophthisis. Identifiers: Orphanet 655, MedGen C0687120, MONDO:0019005, HP:0000090.

Allele frequency attached by ClinVar (database versions not stated): gnomAD 0.00001; gnomAD exomes 0.00002 and 0.00006; TOPMed 0.00005; ExAC 0.00009.
gnomAD v4.1: 16 of 1,602,776 alleles (0.001%); highest among the groups gnomAD compares: Admixed American, 0.026%; no homozygotes.

Submissions (3):

PreventionGenetics, part of Exact Sciences
Classification: Uncertain significance for NPHP4-related condition. Last evaluated: 2026-09-18. Review status: criteria provided, single submitter. Criteria: ACMG Guidelines, 2015. Collection method: clinical testing. Allele origin: germline.
Comment: The NPHP4 c.512C>T variant is predicted to result in the amino acid substitution p.Ala171Val. To our knowledge, this variant has not been reported in the literature. This variant is reported in 0.043% of alleles in individuals of Latino descent in gnomAD. At this time, the clinical significance of this variant is uncertain due to the absence of conclusive functional and genetic evidence.

Labcorp Genetics (formerly Invitae), Labcorp
Classification: Uncertain significance for Nephronophthisis. Last evaluated: 2026-01-29. Review status: criteria provided, single submitter. Criteria: Invitae Variant Classification Sherloc (09022015). Collection method: clinical testing. Allele origin: germline.
Comment: This sequence change replaces alanine, which is neutral and non-polar, with valine, which is neutral and non-polar, at codon 171 of the NPHP4 protein (p.Ala171Val). This variant is present in population databases (rs763307389, gnomAD 0.04%). This variant has not been reported in the literature in individuals affected with NPHP4-related conditions. ClinVar contains an entry for this variant (Variation ID: 948126). Invitae Evidence Modeling of protein sequence and biophysical properties (such as structural, functional, and spatial information, amino acid conservation, physicochemical variation, residue mobility, and thermodynamic stability) indicates that this missense variant is not expected to disrupt NPHP4 protein function with a negative predictive value of 80%. In summary, the available evidence is currently insufficient to determine the role of this variant in disease. Therefore, it has been classified as a Variant of Uncertain Significance.

Fulgent Genetics
Classification: Uncertain significance for Nephronophthisis 4; Senior-Loken syndrome 4. Last evaluated: 2022-03-01. Review status: criteria provided, single submitter. Criteria: ACMG Guidelines, 2015. Collection method: clinical testing. Allele origin: unknown.

NM_015102.5(NPHP4):c.512C>T (p.Ala171Val)

Gene: NPHP4 (nephrocystin 4; minus strand). Cytogenetic location: 1p36.31.
Variant type: single nucleotide variant.
Coding change: c.512C>T on transcript NM_015102.5 (MANE Select); coding-DNA position 512, C replaced by T.
Protein change: p.Ala171Val; replaces alanine 171 with valine.
Molecular consequence: missense variant. On other transcripts: 5 prime UTR variant (2), non-coding transcript variant (1).
Genome position (GRCh38, 1-based): chr1:5,967,304, G>A on the plus strand (C>T on the coding strand, the complement: NPHP4 is on the minus strand). VCF-style: chr1-5967304-G-A. GRCh37 (hg19) VCF-style: chr1-6027364-G-A.
Other names: c.-718C>T (NM_001291593.2); c.-855C>T (NM_001291594.2); short protein forms A171V.
Identifiers: ClinVar variation 948126 (VCV000948126.8), dbSNP rs763307389, ClinGen allele CA554827.